The following is an entry in ClinVar:

NM_001429.4(EP300):c.3262-9T>A

Gene: EP300 (E1A binding protein p300; plus strand). Cytogenetic location: 22q13.2.
Variant type: single nucleotide variant.
Coding change: c.3262-9T>A on transcript NM_001429.4 (MANE Select); 9 bases into the intron before coding-DNA position 3262, T replaced by A.
Molecular consequence: intron variant.
Genome position (GRCh38, 1-based): chr22:41,157,160, T>A. VCF-style: chr22-41157160-T-A. GRCh37 (hg19) VCF-style: chr22-41553164-T-A.
Other names: c.3184-9T>A (NM_001362843.2).
Identifiers: ClinVar variation 3349694 (VCV003349694.1).

ClinVar aggregate classification (germline): Likely benign (0 of 4 stars; one submission).

Conditions:
EP300-related disorder. Also called: EP300-related condition; EP300-related disorders.

Submission:

PreventionGenetics, part of Exact Sciences
Classification: Likely benign for EP300-related condition. Last evaluated: 2024-02-16. Review status: no assertion criteria provided. Collection method: clinical testing. Allele origin: germline.
Comment: This variant is classified as likely benign based on ACMG/AMP sequence variant interpretation guidelines (Richards et al. 2015 PMID: 25741868, with internal and published modifications).